The following is an entry in ClinVar:

NM_020166.5(MCCC1):c.5C>A (p.Ala2Glu)

Genes: MCCC1 (methylcrotonyl-CoA carboxylase subunit 1; minus strand), LOC129938008 (ATAC-STARR-seq lymphoblastoid active region 20884; plus strand). Cytogenetic location: 3q27.1.
Variant type: single nucleotide variant.
Coding change: c.5C>A on transcript NM_020166.5 (MANE Select); coding-DNA position 5, C replaced by A.
Protein change: p.Ala2Glu; replaces alanine 2 with glutamic acid.
Molecular consequence: missense variant. On other transcripts: 5 prime UTR variant (2), non-coding transcript variant (1).
Genome position (GRCh38, 1-based): chr3:183,099,436, G>T on the plus strand (C>A on the coding strand, the complement: MCCC1 is on the minus strand). VCF-style: chr3-183099436-G-T. GRCh37 (hg19) VCF-style: chr3-182817224-G-T.
Other names: c.-88C>A (NM_001293273.2); c.-186C>A (NM_001363880.1); c.5C>A (NM_020166.4); short protein forms A2E.
Identifiers: ClinVar variation 2416945 (VCV002416945.7), dbSNP rs1260785519, ClinGen allele CA355324569.

ClinVar aggregate classification (germline): Uncertain significance. Review status: criteria provided, single submitter (1 of 4 stars). 2 submissions from 2 submitters: Uncertain significance (1). 1 of the submissions does not count toward it. Last evaluated 2022-03-19.

Conditions:
3-methylcrotonyl-CoA carboxylase 1 deficiency (MCC1D). Also called: MCCD TYPE 1; METHYLCROTONYLGLYCINURIA TYPE I; MCC 1 deficiency; 3 Alpha methylcrotonylglycinuria 1. Identifiers: Orphanet 6, MedGen CN028786, MONDO:0008861, OMIM 210200.

gnomAD v4.1: 1 of 1,604,616 alleles (0.000062%); highest among the groups gnomAD compares: Non-Finnish European, 0.000085%; no homozygotes.

Submissions (2):

Labcorp Genetics (formerly Invitae), Labcorp
Classification: Uncertain significance for 3-methylcrotonyl-CoA carboxylase 1 deficiency. Last evaluated: 2022-03-19. Review status: criteria provided, single submitter. Criteria: Invitae Variant Classification Sherloc (09022015). Collection method: clinical testing. Allele origin: germline.
Comment: The frequency data for this variant in the population databases is considered unreliable, as metrics indicate poor data quality at this position in the gnomAD database. This sequence change replaces alanine, which is neutral and non-polar, with glutamic acid, which is acidic and polar, at codon 2 of the MCCC1 protein (p.Ala2Glu). This variant has not been reported in the literature in individuals affected with MCCC1-related conditions. Algorithms developed to predict the effect of missense changes on protein structure and function are either unavailable or do not agree on the potential impact of this missense change (SIFT: "Tolerated"; PolyPhen-2: "Not Available"; Align-GVGD: "Class C0"). In summary, the available evidence is currently insufficient to determine the role of this variant in disease. Therefore, it has been classified as a Variant of Uncertain Significance.

Natera, Inc.
Classification: Uncertain significance for 3-methylcrotonyl-CoA carboxylase 1 deficiency. Last evaluated: 2025-04-18. Review status: no assertion criteria provided. Collection method: clinical testing. Allele origin: germline. Not counted in ClinVar's aggregate classification.